The following is an entry in ClinVar:

ClinVar aggregate classification (germline): Conflicting classifications of pathogenicity. Review status: criteria provided, conflicting classifications (1 of 4 stars). 4 submissions from 4 submitters: Likely pathogenic (2); Uncertain significance (2). Last evaluated 2025-09-10.

Conditions:
Dilated cardiomyopathy 1S (CMD1S). Identifiers: Orphanet 154, Orphanet 54260, MedGen C1834481, MONDO:0013262, OMIM 613426.
Hypertrophic cardiomyopathy. Also called: HYPERTROPHIC MYOCARDIOPATHY. Identifiers: Orphanet 217569, MedGen C0007194, MeSH D002312, MONDO:0005045, HP:0001639.
MYH7-related disorder. Also called: MYH7-related condition; MYH7-related disease; MYH7-related disorders.
Cardiovascular phenotype. Identifiers: MedGen CN230736.

Submissions (4):

Labcorp Genetics (formerly Invitae), Labcorp
Classification: Uncertain significance for Hypertrophic cardiomyopathy. Last evaluated: 2025-09-10. Review status: criteria provided, single submitter. Criteria: Invitae Variant Classification Sherloc (09022015). Collection method: clinical testing. Allele origin: germline.
Comment: This sequence change replaces glutamic acid, which is acidic and polar, with lysine, which is basic and polar, at codon 883 of the MYH7 protein (p.Glu883Lys). This variant is not present in population databases (gnomAD no frequency). This missense change has been observed in individual(s) with Dilated cardiomyopathy (PMID: 29095814). ClinVar contains an entry for this variant (Variation ID: 524969). Invitae Evidence Modeling of protein sequence and biophysical properties (such as structural, functional, and spatial information, amino acid conservation, physicochemical variation, residue mobility, and thermodynamic stability) indicates that this missense variant is expected to disrupt MYH7 protein function with a positive predictive value of 95%. In summary, the available evidence is currently insufficient to determine the role of this variant in disease. Therefore, it has been classified as a Variant of Uncertain Significance.

PreventionGenetics, part of Exact Sciences
Classification: Likely pathogenic for MYH7-related condition. Last evaluated: 2025-09-05. Review status: criteria provided, single submitter. Criteria: ACMG Guidelines, 2015. Collection method: clinical testing. Allele origin: germline.
Comment: The MYH7 c.2647G>A variant is predicted to result in the amino acid substitution p.Glu883Lys. This variant has been reported as a de novo variant in an individual with dilated cardiomyopathy (Table S3, Hu et al. 2018. PubMed ID: 29095814). This variant has also been reported in a pediatric cardiomyopathy cohort; however, detailed clinical information was not available (Savostyanov et al. 2017. doi: 10.15690/vramn872). The variant resides in a hotspot functional domain, in which most pathogenic missense variants are documented (amino acids 181–937, Kelly et al. 2018. PubMed ID: 29300372). This variant has not been reported in a large population database (gnomAD), indicating this variant is rare. An in-frame deletion affecting this amino acid position has been reported in an individual with hypertrophic cardiomyopathy (p.Glu883del, Richard et al. 2003. PubMed ID: 12707239). An alternate missense change at the same amino acid position (p.Glu883Asp) has also been reported in an affected individual; however, this individual also carried a de novo MYH7 missense variant p.Cys705Tyr (Table S2, Klee et al. 2021. PubMed ID: 33144682). Taken together, the c.2647G>A (p.Glu883Lys) variant is interpreted as likely pathogenic.

Victorian Clinical Genetics Services, Murdoch Childrens Research Institute
Classification: Likely pathogenic for Dilated cardiomyopathy 1S. Last evaluated: 2022-02-02. Review status: criteria provided, single submitter. Criteria: ACMG Guidelines, 2015. Collection method: clinical testing. Allele origin: germline. Inheritance: Autosomal dominant inheritance. Affected: yes.
Comment: Based on the classification scheme VCGS_Germline_v1.3.4, this variant is classified as Likely Pathogenic. Following criteria are met: 0105 - The mechanism of disease for this gene is not clearly established, however, missense variants have been proposed to act in a dominant negative manner (PMID: 24714796). (I) 0108 - This gene is associated with both recessive and dominant disease. Pathogenic variants in this gene are usually heterozygous, however a recessive inheritance pattern has been observed in severe cases (OMIM). (I) 0112 - The condition associated with this gene has incomplete penetrance (PMID: 29300372). (I) 0200 - Variant is predicted to result in a missense amino acid change from glutamic acid to lysine. (I) 0251 - This variant is heterozygous. (I) 0301 - Variant is absent from gnomAD (both v2 and v3). (SP) 0309 - An alternative amino acid change at the same position has been observed in gnomAD (v2) (1 heterozygote, 0 homozygotes). (I) 0501 - Missense variant consistently predicted to be damaging by multiple in silico tools or highly conserved with a major amino acid change. (SP) 0602 - Variant is located in a hotspot region or cluster of pathogenic variants. This variant is found within the head region, which is enriched with pathogenic missense variants (PMID: 29300372). (SP) 0704 - Another inframe deletion variant comparable to the one identified in this case has limited previous evidence for pathogenicity. This variant (p.Glu883del) has been reported as pathogenic (LOVD), and observed in a single individual with hypertrophic cardiomyopathy (HCM) (PMID: 12707239). Additional, a missense variant comparable to the one identified in this case has inconclusive previous evidence for pathogenicity. This alternative change (p.Glu883Asp) has been reported as a maternally inherited VUS in an individual with dilated cardiomyopathy (DCM) (ClinVar). (SP) 0802 - This variant has moderate previous evidence of pathogenicity in unrelated individuals. This variant has been reported as a VUS (LOVD, ClinVar). However, more recently it has been reported as likely pathogenic, and observed in an individual with DCM, where the variant was confirmed de novo (PMID: 29095814). (SP) 0905 - No published segregation evidence has been identified for this variant. (I) 1007 - No published functional evidence has been identified for this variant. The variant was detected at low levels and is potentially mosaic. (I) Legend: (SP) - Supporting pathogenic, (I) - Information, (SB) - Supporting benign

Ambry Genetics
Classification: Uncertain significance for Cardiovascular phenotype. Last evaluated: 2021-12-28. Review status: criteria provided, single submitter. Criteria: Ambry Variant Classification Scheme 2023. Collection method: clinical testing. Allele origin: germline.
Comment: The p.E883K variant (also known as c.2647G>A), located in coding exon 20 of the MYH7 gene, results from a G to A substitution at nucleotide position 2647. The glutamic acid at codon 883 is replaced by lysine, an amino acid with similar properties. This amino acid position is highly conserved in available vertebrate species. In addition, this alteration is predicted to be deleterious by in silico analysis. Since supporting evidence is limited at this time, the clinical significance of this alteration remains unclear.

Literature cited by the submitters: PubMed 29095814 (cited by Labcorp Genetics (formerly Invitae), Labcorp and Victorian Clinical Genetics Services, Murdoch Childrens Research Institute); PubMed 12707239 (cited by Victorian Clinical Genetics Services, Murdoch Childrens Research Institute); PubMed 24714796 (cited by Victorian Clinical Genetics Services, Murdoch Childrens Research Institute); PubMed 29300372 (cited by Victorian Clinical Genetics Services, Murdoch Childrens Research Institute).

NM_000257.4(MYH7):c.2647G>A (p.Glu883Lys)

Genes: MYH7 (myosin heavy chain 7; minus strand), LOC126861898 (BRD4-independent group 4 enhancer GRCh37_chr14:23893609-23894808; plus strand). Cytogenetic location: 14q11.2.
Variant type: single nucleotide variant.
Coding change: c.2647G>A on transcript NM_000257.4 (MANE Select); coding-DNA position 2647, G replaced by A.
Protein change: p.Glu883Lys; replaces glutamic acid 883 with lysine.
Molecular consequence: missense variant.
Genome position (GRCh38, 1-based): chr14:23,424,801, C>T on the plus strand (G>A on the coding strand, the complement: MYH7 is on the minus strand). VCF-style: chr14-23424801-C-T. GRCh37 (hg19) VCF-style: chr14-23894010-C-T.
Other names: c.2647G>A (NM_000257.2); short protein forms E883K.
Identifiers: ClinVar variation 524969 (VCV000524969.13), dbSNP rs1212642361, ClinGen allele CA389047898.